The following is an entry in ClinVar:

ClinVar aggregate classification (germline): Uncertain significance. Review status: criteria provided, multiple submitters, no conflicts (2 of 4 stars). 3 submissions from 3 submitters: Uncertain significance (3). Last evaluated 2025-08-08.

Conditions:
Cardiovascular phenotype. Identifiers: MedGen CN230736.
Dilated cardiomyopathy 1JJ (CMD1JJ). Identifiers: Orphanet 154, MedGen C3808935, MONDO:0014095, OMIM 615235.

Allele frequency attached by ClinVar (database versions not stated): ExAC 0.00001; gnomAD 0.00001; gnomAD exomes 0.00001; TOPMed 0.00002; ESP Exome Variant Server 0.00008.
gnomAD v4.1: 2 of 1,613,832 alleles (0.00012%); highest among the groups gnomAD compares: African/African-American, 0.0013%; no homozygotes.

Submissions (3):

Labcorp Genetics (formerly Invitae), Labcorp
Classification: Uncertain significance for Dilated cardiomyopathy 1JJ. Last evaluated: 2025-08-08. Review status: criteria provided, single submitter. Criteria: Invitae Variant Classification Sherloc (09022015). Collection method: clinical testing. Allele origin: germline.
Comment: This sequence change replaces alanine, which is neutral and non-polar, with aspartic acid, which is acidic and polar, at codon 1002 of the LAMA4 protein (p.Ala1002Asp). This variant is present in population databases (rs199618820, gnomAD 0.0009%). This variant has not been reported in the literature in individuals affected with LAMA4-related conditions. ClinVar contains an entry for this variant (Variation ID: 191686). Invitae Evidence Modeling of protein sequence and biophysical properties (such as structural, functional, and spatial information, amino acid conservation, physicochemical variation, residue mobility, and thermodynamic stability) indicates that this missense variant is not expected to disrupt LAMA4 protein function with a negative predictive value of 80%. In summary, the available evidence is currently insufficient to determine the role of this variant in disease. Therefore, it has been classified as a Variant of Uncertain Significance.

Ambry Genetics
Classification: Uncertain significance for Cardiovascular phenotype. Last evaluated: 2023-04-19. Review status: criteria provided, single submitter. Criteria: Ambry Variant Classification Scheme 2023. Collection method: clinical testing. Allele origin: germline.
Comment: The p.A1002D variant (also known as c.3005C>A), located in coding exon 22 of the LAMA4 gene, results from a C to A substitution at nucleotide position 3005. The alanine at codon 1002 is replaced by aspartic acid, an amino acid with dissimilar properties. This amino acid position is well conserved in available vertebrate species. In addition, this alteration is predicted to be deleterious by in silico analysis. The evidence for this gene-disease relationship is limited; therefore, the clinical significance of this alteration is unclear.

Biesecker Lab/Clinical Genomics Section, National Institutes of Health
Classification: Uncertain significance. Last evaluated: 2013-06-24. Review status: criteria provided, single submitter. Criteria: Ng et al. (Circ Cardiovasc Genet. 2013). Collection method: research. Allele origin: unknown. Observed: 1 variant allele. Study: ClinSeq.
Comment: The study set was not selected for affection status in relation to any cancer. Pathogenicity categories were based on literature curation. See Pubmed ID:23861362 for details.

Medical sequencing

NM_001105206.3(LAMA4):c.3026C>A (p.Ala1009Asp)

Gene: LAMA4 (laminin subunit alpha 4; minus strand). Cytogenetic location: 6q21.
Variant type: single nucleotide variant.
Coding change: c.3026C>A on transcript NM_001105206.3 (MANE Select); coding-DNA position 3026, C replaced by A.
Protein change: p.Ala1009Asp; replaces alanine 1009 with aspartic acid.
Molecular consequence: missense variant.
Genome position (GRCh38, 1-based): chr6:112,139,836, G>T on the plus strand (C>A on the coding strand, the complement: LAMA4 is on the minus strand). VCF-style: chr6-112139836-G-T. GRCh37 (hg19) VCF-style: chr6-112461038-G-T.
Other names: c.3005C>A, p.Ala1002Asp (NM_001105207.3, NM_002290.5); c.3005C>A (LRG_433t2); short protein forms A1002D, A1009D.
Identifiers: ClinVar variation 191686 (VCV000191686.4), dbSNP rs199618820, ClinGen allele CA237263.